The following is an entry in ClinVar:

NM_001276345.2(TNNT2):c.490-1G>C

Gene: TNNT2 (troponin T2, cardiac type; minus strand). Cytogenetic location: 1q32.1.
Variant type: single nucleotide variant.
Coding change: c.490-1G>C on transcript NM_001276345.2 (MANE Select); the canonical splice acceptor site of the intron before coding-DNA position 490, G replaced by C.
Molecular consequence: splice acceptor variant.
Genome position (GRCh38, 1-based): chr1:201,363,407, C>G on the plus strand (G>C on the coding strand, the complement: TNNT2 is on the minus strand). VCF-style: chr1-201363407-C-G. GRCh37 (hg19) VCF-style: chr1-201332535-C-G.
Other names: c.460-1G>C (NM_001406727.1, NM_001406724.1, NM_001001431.3 and 3 more transcripts); c.445-1G>C (NM_001001432.3, NM_001406728.1); c.457-1G>C (NM_001406725.1); c.370-1G>C (NM_001276346.2); c.490-1G>C (NM_000364.4, NM_001406723.1).
Identifiers: ClinVar variation 181619 (VCV000181619.14), dbSNP rs111344408, ClinGen allele CA004605.

ClinVar aggregate classification (germline): Conflicting classifications of pathogenicity. Review status: criteria provided, conflicting classifications (1 of 4 stars). 5 submissions from 5 submitters: Likely pathogenic (1); Uncertain significance (4). Last evaluated 2025-09-27.

Conditions:
Cardiovascular phenotype. Identifiers: MedGen CN230736.
Primary familial dilated cardiomyopathy (FDC). Also called: Familial dilated cardiomyopathy; Hypokinetic dilated cardiomyopathy, familial. Identifiers: Orphanet 217607, MedGen C0340427, MONDO:0016333.
Hypertrophic cardiomyopathy 2. Also called: TNNT2-Related Familial Hypertrophic Cardiomyopathy. Identifiers: MedGen C1861864, MONDO:0007266, OMIM 115195.
Dilated cardiomyopathy 1D. Identifiers: Orphanet 154, Orphanet 54260, MedGen C1832243, MONDO:0011095, OMIM 601494.
Cardiomyopathy, familial restrictive, 3. Identifiers: Orphanet 75249, MedGen C2676271, MONDO:0012900, OMIM 612422.
Cardiomyopathy (CMYO). Also called: Cardiomyopathies. Identifiers: Orphanet 167848, MedGen C0878544, MONDO:0004994, HP:0001638. Inheritance: Various modes of inheritance.

Allele frequency attached by ClinVar (database versions not stated): gnomAD 0.00001; gnomAD exomes 0.00001; TOPMed 0.00001.
gnomAD v4.1: 11 of 1,613,930 alleles (0.00068%); highest among the groups gnomAD compares: Non-Finnish European, 0.00093%; no homozygotes.

Submissions (5):

Labcorp Genetics (formerly Invitae), Labcorp
Classification: Uncertain significance for Cardiomyopathy, familial restrictive, 3; Hypertrophic cardiomyopathy 2; Dilated cardiomyopathy 1D. Last evaluated: 2025-09-27. Review status: criteria provided, single submitter. Criteria: Invitae Variant Classification Sherloc (09022015). Collection method: clinical testing. Allele origin: germline.
Comment: This sequence change affects an acceptor splice site in intron 10 of the TNNT2 gene. It is expected to disrupt RNA splicing. Variants that disrupt the donor or acceptor splice site typically lead to a loss of protein function (PMID: 16199547), however the current clinical and genetic evidence is not sufficient to establish whether loss-of-function variants in TNNT2 cause disease. This variant is present in population databases (rs111344408, gnomAD 0.007%). Disruption of this splice site has been observed in individual(s) with hypertrophic cardiomyopathy (HCM) or left ventricular noncompaction (PMID: 25524337, 27532257, 36788754). ClinVar contains an entry for this variant (Variation ID: 181619). Algorithms developed to predict the effect of sequence changes on RNA splicing suggest that this variant may disrupt the consensus splice site. In summary, the available evidence is currently insufficient to determine the role of this variant in disease. Therefore, it has been classified as a Variant of Uncertain Significance.

Color Diagnostics, LLC DBA Color Health
Classification: Uncertain significance for Cardiomyopathy. Last evaluated: 2019-07-09. Review status: criteria provided, single submitter. Criteria: ACMG Guidelines, 2015. Collection method: clinical testing. Allele origin: germline.
Comment: This variant alters the canonical splice acceptor site in intron 10 of the TNNT2 gene. Computational splicing tools suggest that this variant may disrupt RNA splicing. To our knowledge, functional assays have not been performed for this variant nor has this variant been reported in individuals affected with cardiovascular disorders in the literature. This variant has been identified in 1/31396 chromosomes in the general population by the Genome Aggregation Database (gnomAD). Clinical significance of loss-of-function truncations and splice variants in the TNNT2 gene is not clearly established. Available evidence is insufficient to determine the role of this variant in disease conclusively. Therefore, this variant is classified as a Variant of Uncertain Significance.

Ambry Genetics
Classification: Uncertain significance for Cardiovascular phenotype. Last evaluated: 2018-01-12. Review status: criteria provided, single submitter. Criteria: Ambry Variant Classification Scheme 2023. Collection method: clinical testing. Allele origin: germline.
Comment: The c.460-1G>C intronic variant results from a G to C substitution one nucleotide upstream from coding exon 10 of the TNNT2 gene. This alteration has been reported in a hypertrophic cardiomyopathy clinical genetic testing cohort; however, clinical details were limited (Walsh R et al. Genet. Med., 2017 Feb;19:192-203). Alterations that disrupt the canonical splice site are expected to cause aberrant splicing, resulting in an abnormal protein or a transcript that is subject to nonsense-mediated mRNA decay. However, loss of function of TNNT2 has not been clearly established as a mechanism of disease. Since supporting evidence is limited at this time, the clinical significance of this alteration remains unclear.

GeneDx
Classification: Uncertain significance. Last evaluated: 2014-05-25. Review status: criteria provided, single submitter. Criteria: GeneDx Variant Classification (06012015). Collection method: clinical testing. Allele origin: germline. Affected: yes.
Comment: c.460-1 G>C: IVS10-1 G>C in intron 10 of the TNNT2 gene (NM_001001430.1). Mutations in the TNNT2 gene have been reported in 5-15% of patients with autosomal dominant familial hypertrophic cardiomyopathy, often characterized by minimal left ventricular hypertrophy (LVH) but a high incidence of sudden cardiac death (Moolman J et al., 1997; Cirino A et al., 2011). Mutations in TNNT2 have been reported less frequently in association with autosomal dominant familial dilated cardiomyopathy (Hershberger R et al., 2009). The c.460-1 G>C variant has not been reported as a disease-causing mutation or as a benign polymorphism to our knowledge. This variant destroys the canonical splice acceptor site in intron 10 and is predicted to cause abnormal gene splicing. The variant is predicted to lead to either an abnormal message that is subject to nonsense-mediated mRNA decay, or to an abnormal protein product if the message is used for protein translation. Furthermore, the c.460-1 G>C variant was not observed in approximately 6,500 individuals of European and African American ancestry in the NHLBI Exome Sequencing Project, indicating it is not a common benign variant in these populations. However, the vast majority of mutations in TNNT2 are missense changes indicating haploinsufficiency of TNNT2 may not be sufficient to cause cardiomyopathy. Some truncating mutations have been reported in association with familial cardiomyopathy, however those changes are commonly present at the last and penultimate exons of the TNNT2 gene.Therefore, based on the currently available information, it is unclear whether this variant is a pathogenic mutation or a rare benign variant. The variant is found in CARDIOMYOPATHY panel(s).

Molecular Diagnostic Laboratory for Inherited Cardiovascular Disease, Montreal Heart Institute
Classification: Likely pathogenic for Familial dilated cardiomyopathy. Review status: criteria provided, single submitter. Criteria: ACMG Guidelines, 2015. Collection method: clinical testing. Allele origin: germline. Affected: yes.

Literature cited by the submitters: PubMed 16199547 (cited by Labcorp Genetics (formerly Invitae), Labcorp); PubMed 25524337 (cited by Labcorp Genetics (formerly Invitae), Labcorp); PubMed 27532257 (cited by Labcorp Genetics (formerly Invitae), Labcorp and Ambry Genetics); PubMed 36788754 (cited by Labcorp Genetics (formerly Invitae), Labcorp).